The following is an entry in ClinVar:

ClinVar aggregate classification (germline): Uncertain significance. Review status: criteria provided, multiple submitters, no conflicts (2 of 4 stars). 3 submissions from 3 submitters: Uncertain significance (3). Last evaluated 2025-03-02.

Conditions:
Autosomal recessive nonsyndromic hearing loss 97. Also called: Deafness, autosomal recessive 97. Identifiers: Orphanet 90636, MedGen C4084709, MONDO:0014739, OMIM 616705.
Hereditary cancer-predisposing syndrome. Also called: Tumor predisposition; Hereditary Cancer Syndrome; Hereditary neoplastic syndrome; Neoplastic Syndromes, Hereditary. Identifiers: Orphanet 140162, MedGen C0027672, MeSH D009386, MONDO:0015356.
Renal cell carcinoma. Identifiers: Orphanet 217071, MedGen C0007134, MeSH D002292, MONDO:0005086, HP:0005584.

Allele frequency attached by ClinVar (database versions not stated): gnomAD 0.00001.
gnomAD v4.1: 3 of 1,613,926 alleles (0.00019%); highest among the groups gnomAD compares: East Asian, 0.0045%; no homozygotes.

Submissions (3):

Labcorp Genetics (formerly Invitae), Labcorp
Classification: Uncertain significance for Renal cell carcinoma. Last evaluated: 2025-03-02. Review status: criteria provided, single submitter. Criteria: Invitae Variant Classification Sherloc (09022015). Collection method: clinical testing. Allele origin: germline.
Comment: This sequence change replaces arginine, which is basic and polar, with glutamine, which is neutral and polar, at codon 417 of the MET protein (p.Arg417Gln). This variant is not present in population databases (gnomAD no frequency). This missense change has been observed in individual(s) with medullary thyroid cancer (PMID: 29219214). ClinVar contains an entry for this variant (Variation ID: 1471423). Invitae Evidence Modeling of protein sequence and biophysical properties (such as structural, functional, and spatial information, amino acid conservation, physicochemical variation, residue mobility, and thermodynamic stability) indicates that this missense variant is not expected to disrupt MET protein function with a negative predictive value of 80%. Experimental studies have shown that this missense change affects MET function (PMID: 29219214). In summary, the available evidence is currently insufficient to determine the role of this variant in disease. Therefore, it has been classified as a Variant of Uncertain Significance.

Ambry Genetics
Classification: Uncertain significance for Hereditary cancer-predisposing syndrome. Last evaluated: 2024-01-25. Review status: criteria provided, single submitter. Criteria: Ambry Variant Classification Scheme 2023. Collection method: clinical testing. Allele origin: germline.
Comment: The p.R417Q variant (also known as c.1250G>A), located in coding exon 2 of the MET gene, results from a G to A substitution at nucleotide position 1250. The arginine at codon 417 is replaced by glutamine, an amino acid with highly similar properties. This variant was detected in two Italian siblings with medullary thyroid cancer (Sponziello M et al. Hum Mutat, 2018 Mar;39:371-377). This amino acid position is highly conserved in available vertebrate species. In addition, the in silico prediction for this alteration is inconclusive. Based on the available evidence, the clinical significance of this alteration remains unclear.

Baylor Genetics
Classification: Uncertain significance for Autosomal recessive nonsyndromic hearing loss 97. Last evaluated: 2023-10-13. Review status: criteria provided, single submitter. Criteria: ACMG Guidelines, 2015. Collection method: clinical testing. Allele origin: unknown.

Literature cited by the submitters: PubMed 29219214 (cited by Labcorp Genetics (formerly Invitae), Labcorp and Ambry Genetics).

NM_000245.4(MET):c.1250G>A (p.Arg417Gln)

Gene: MET (MET proto-oncogene, receptor tyrosine kinase; plus strand). Cytogenetic location: 7q31.2.
Variant type: single nucleotide variant.
Coding change: c.1250G>A on transcript NM_000245.4 (MANE Select); coding-DNA position 1250, G replaced by A.
Protein change: p.Arg417Gln; replaces arginine 417 with glutamine.
Molecular consequence: missense variant. On other transcripts: 5 prime UTR variant (1).
Genome position (GRCh38, 1-based): chr7:116,731,717, G>A. VCF-style: chr7-116731717-G-A. GRCh37 (hg19) VCF-style: chr7-116371771-G-A.
Other names: c.1250G>A, p.Arg417Gln (NM_001127500.3, NM_001324401.3); c.-41G>A (NM_001324402.2); c.1250G>A (NM_001127500.1); short protein forms R417Q.
Identifiers: ClinVar variation 1471423 (VCV001471423.10), dbSNP rs2116780504, ClinGen allele CA368972773.
Genomic context (GRCh38, chr7:116,731,717, plus strand): 5'-TTTTATTCCAGACACTTCTGAGAAATTCATCAGGCTGTGAAGCGCGCCGTGATGAATATC[G>A]AACAGAGTTTACCACAGCTTTGCAGCGCGTTGACTTATTCATGGGTCAATTCAGCGAAGT-3'
Protein context (NP_000236.2, residues 407-427): SGCEARRDEY[Arg417Gln]TEFTTALQRV